The following is an entry in ClinVar:

NM_001177676.2(GPR68):c.843C>G (p.Ala281=)

Gene: GPR68 (G protein-coupled receptor 68; minus strand). Cytogenetic location: 14q32.11.
Variant type: single nucleotide variant.
Coding change: c.843C>G on transcript NM_001177676.2 (MANE Select); coding-DNA position 843, C replaced by G.
Protein change: p.Ala281=; no amino-acid change (alanine 281 retained).
Molecular consequence: synonymous variant.
Genome position (GRCh38, 1-based): chr14:91,234,208, G>C on the plus strand (C>G on the coding strand, the complement: GPR68 is on the minus strand). VCF-style: chr14-91234208-G-C. GRCh37 (hg19) VCF-style: chr14-91700552-G-C.
Other names: c.843C>G, p.Ala281= (NM_001348437.1, NM_003485.3).
Identifiers: ClinVar variation 3055827 (VCV003055827.2), dbSNP rs150575263, ClinGen allele CA7308289.

ClinVar aggregate classification (germline): Likely benign (0 of 4 stars; one submission).

Conditions:
GPR68-related disorder. Also called: GPR68-related condition.

Allele frequency attached by ClinVar (database versions not stated): 1000 Genomes Project 0.00379; 1000 Genomes Project 30x 0.00406; ESP Exome Variant Server 0.00542.

Submission:

PreventionGenetics, part of Exact Sciences
Classification: Likely benign for GPR68-related condition. Last evaluated: 2019-03-21. Review status: no assertion criteria provided. Collection method: clinical testing. Allele origin: germline.
Comment: This variant is classified as likely benign based on ACMG/AMP sequence variant interpretation guidelines (Richards et al. 2015 PMID: 25741868, with internal and published modifications).